The following is an entry in ClinVar:

NM_014112.5(TRPS1):c.3051C>T (p.Tyr1017=)

Gene: TRPS1 (transcriptional repressor GATA binding 1; minus strand). Cytogenetic location: 8q23.3.
Variant type: single nucleotide variant.
Coding change: c.3051C>T on transcript NM_014112.5 (MANE Select); coding-DNA position 3051, C replaced by T.
Protein change: p.Tyr1017=; no amino-acid change (tyrosine 1017 retained).
Molecular consequence: synonymous variant.
Genome position (GRCh38, 1-based): chr8:115,414,857, G>A on the plus strand (C>T on the coding strand, the complement: TRPS1 is on the minus strand). VCF-style: chr8-115414857-G-A. GRCh37 (hg19) VCF-style: chr8-116427085-G-A.
Other names: c.3024C>T, p.Tyr1008= (NM_001282902.3); c.3030C>T, p.Tyr1010= (NM_001282903.3); c.3012C>T, p.Tyr1004= (NM_001330599.2).
Identifiers: ClinVar variation 772468 (VCV000772468.15), dbSNP rs140839419, ClinGen allele CA4851527.

ClinVar aggregate classification (germline): Likely benign. Review status: criteria provided, multiple submitters, no conflicts (2 of 4 stars). 3 submissions from 3 submitters: Likely benign (2). 1 of the submissions does not count toward it. Last evaluated 2025-12-01.

Conditions:
TRPS1-related disorder. Also called: TRPS1-related condition.
Trichorhinophalangeal syndrome, type III (TRPS3). Also called: SUGIO-KAJII SYNDROME. Identifiers: Orphanet 77258, MedGen C1860823, OMIM 190351, MONDO:0008597.
Trichorhinophalangeal dysplasia type I (TRPS1). Also called: TRPS I; TRICHORHINOPHALANGEAL SYNDROME, TYPE I. Identifiers: Orphanet 77258, MedGen C0432233, MONDO:0008596, OMIM 190350.

Allele frequency attached by ClinVar (database versions not stated): gnomAD exomes 0.00002 and 0.00007; ExAC 0.00010; gnomAD 0.00011 and 0.00013; ESP Exome Variant Server 0.00017; TOPMed 0.00023; 1000 Genomes Project 0.00040; 1000 Genomes Project 30x 0.00047.
gnomAD v4.1: 59 of 1,613,896 alleles (0.0037%); highest among the groups gnomAD compares: African/African-American, 0.039%; no homozygotes.

Submissions (3):

CeGaT Center for Human Genetics Tuebingen
Classification: Likely benign. Last evaluated: 2025-12-01. Review status: criteria provided, single submitter. Criteria: CeGaT Center For Human Genetics Tuebingen Variant Classification Criteria Version 2. Collection method: clinical testing. Allele origin: germline. Affected: yes. Observed: 1 variant allele.
Comment: TRPS1: BP4, BP7

Labcorp Genetics (formerly Invitae), Labcorp
Classification: Likely benign for Trichorhinophalangeal syndrome, type III; Trichorhinophalangeal dysplasia type I. Last evaluated: 2025-11-28. Review status: criteria provided, single submitter. Criteria: Invitae Variant Classification Sherloc (09022015). Collection method: clinical testing. Allele origin: germline.

PreventionGenetics, part of Exact Sciences
Classification: Likely benign for TRPS1-related condition. Last evaluated: 2019-11-16. Review status: no assertion criteria provided. Collection method: clinical testing. Allele origin: germline. Not counted in ClinVar's aggregate classification.
Comment: This variant is classified as likely benign based on ACMG/AMP sequence variant interpretation guidelines (Richards et al. 2015 PMID: 25741868, with internal and published modifications).